The following is an entry in ClinVar:

NM_004830.4(MED23):c.1078-6T>G

Gene: MED23 (mediator complex subunit 23; minus strand). Cytogenetic location: 6q23.2.
Variant type: single nucleotide variant.
Coding change: c.1078-6T>G on transcript NM_004830.4 (MANE Select); 6 bases into the intron before coding-DNA position 1078, T replaced by G.
Molecular consequence: intron variant.
Genome position (GRCh38, 1-based): chr6:131,608,077, A>C on the plus strand (T>G on the coding strand, the complement: MED23 is on the minus strand). VCF-style: chr6-131608077-A-C. GRCh37 (hg19) VCF-style: chr6-131929217-A-C.
Other names: NC_000006.11:g.131929217A>C; c.1078-6T>G (NM_001270521.2, NM_001376524.1, NM_001376522.1 and 3 more transcripts); c.1096-6T>G (NM_015979.4, NM_001376517.1); c.1024-6T>G (NM_001376518.1); c.823-6T>G (NM_001376523.1); c.937-6T>G (NM_001376520.1).
Identifiers: ClinVar variation 2442027 (VCV002442027.3), dbSNP rs750247163, ClinGen allele CA4000040.

ClinVar aggregate classification (germline): Conflicting classifications of pathogenicity. Review status: criteria provided, conflicting classifications (1 of 4 stars). 2 submissions from 2 submitters: Uncertain significance (1); Likely benign (1). Last evaluated 2024-09-20.

Conditions:
Intellectual developmental disorder, autosomal recessive 18, with or without epilepsy. Also called: Intellectual disability, autosomal recessive 18. Identifiers: Orphanet 88616, MedGen C3280265, MONDO:0013651, OMIM 614249.

Allele frequency attached by ClinVar (database versions not stated): gnomAD 0.00001.
gnomAD v4.1: 24 of 1,613,388 alleles (0.0015%); highest among the groups gnomAD compares: East Asian, 0.051%; no homozygotes.

Submissions (3):

3billion
Classification: Likely benign for Intellectual developmental disorder, autosomal recessive 18, with or without epilepsy. Last evaluated: 2024-09-20. Review status: criteria provided, single submitter. Criteria: ACMG Guidelines, 2015. Collection method: clinical testing. Allele origin: germline. Affected: no.
Comment: The homozygous variant was found in patients diagnosed with another variant in a different gene, with no symptoms related to the gene containing the homozygous variant.

Baylor Genetics
Classification: Uncertain significance for Intellectual developmental disorder, autosomal recessive 18, with or without epilepsy. Last evaluated: 2022-01-26. Review status: criteria provided, single submitter. Criteria: ACMG Guidelines, 2015. Collection method: clinical testing. Allele origin: unknown.

Dr. Peter K. Rogan Lab, Western University
No classification provided (evidence only). Condition: Acute myeloid leukemia. Review status: no classification provided. Collection method: in vitro. Allele origin: not applicable. Functional consequence: retained intron. Not counted in ClinVar's aggregate classification.